The following is an entry in ClinVar:

ClinVar aggregate classification (germline): Uncertain significance (1 of 4 stars; one submission).

Submission:

GeneDx
Classification: Uncertain significance. Last evaluated: 2020-07-02. Review status: criteria provided, single submitter. Criteria: GeneDx Variant Classification Process June 2021. Collection method: clinical testing. Allele origin: germline. Affected: yes.
Comment: Has not been previously published as pathogenic or benign to our knowledge; Not observed in large population cohorts (Lek et al., 2016); In silico analysis supports that this missense variant has a deleterious effect on protein structure/function

NM_001363.5(DKC1):c.980T>C (p.Ile327Thr)

Gene: DKC1 (dyskerin pseudouridine synthase 1; plus strand). Cytogenetic location: Xq28.
Variant type: single nucleotide variant.
Coding change: c.980T>C on transcript NM_001363.5 (MANE Select); coding-DNA position 980, T replaced by C.
Protein change: p.Ile327Thr; replaces isoleucine 327 with threonine.
Molecular consequence: missense variant. On other transcripts: non-coding transcript variant (3).
Genome position (GRCh38, 1-based): chrX:154,770,823, T>C. VCF-style: chrX-154770823-T-C. GRCh37 (hg19) VCF-style: chrX-153999098-T-C.
Other names: c.980T>C, p.Ile327Thr (NM_001142463.3, NM_001288747.2); short protein forms I327T.
Identifiers: ClinVar variation 421769 (VCV000421769.3), dbSNP rs1064795353, ClinGen allele CA16621265.
Genomic context (GRCh38, chrX:154,770,823, plus strand): 5'-ATGCCATCTGCTATGGGGCCAAGATTATGCTTCCAGGTGTTCTTCGATATGAGGACGGCA[T>C]TGAGGTCAATCAGGAGATTGTGGTTATCACCACCAAAGGAGAAGCAATCTGCATGGGTAA-3'
Protein context (NP_001354.1, residues 317-337): LPGVLRYEDG[Ile327Thr]EVNQEIVVIT